The following is an entry in ClinVar:

ClinVar aggregate classification (germline): Uncertain significance (1 of 4 stars; one submission).

Allele frequency attached by ClinVar (database versions not stated): TOPMed below 0.00001; ExAC 0.00001; gnomAD exomes 0.00001.
gnomAD v4.1: 15 of 1,613,922 alleles (0.00093%); highest among the groups gnomAD compares: South Asian, 0.0033%; no homozygotes.

Submission:

Labcorp Genetics (formerly Invitae), Labcorp
Classification: Uncertain significance. Last evaluated: 2022-10-06. Review status: criteria provided, single submitter. Criteria: Invitae Variant Classification Sherloc (09022015). Collection method: clinical testing. Allele origin: germline.
Comment: This variant is present in population databases (rs775980757, gnomAD 0.01%). This sequence change replaces arginine, which is basic and polar, with glutamine, which is neutral and polar, at codon 283 of the KMT2E protein (p.Arg283Gln). This variant has not been reported in the literature in individuals affected with KMT2E-related conditions. In summary, the available evidence is currently insufficient to determine the role of this variant in disease. Therefore, it has been classified as a Variant of Uncertain Significance. Advanced modeling of protein sequence and biophysical properties (such as structural, functional, and spatial information, amino acid conservation, physicochemical variation, residue mobility, and thermodynamic stability) performed at Invitae indicates that this missense variant is not expected to disrupt KMT2E protein function.

NM_182931.3(KMT2E):c.848G>A (p.Arg283Gln)

Gene: KMT2E (lysine methyltransferase 2E (inactive); plus strand). Cytogenetic location: 7q22.3.
Variant type: single nucleotide variant.
Coding change: c.848G>A on transcript NM_182931.3 (MANE Select); coding-DNA position 848, G replaced by A.
Protein change: p.Arg283Gln; replaces arginine 283 with glutamine.
Molecular consequence: missense variant.
Genome position (GRCh38, 1-based): chr7:105,077,042, G>A. VCF-style: chr7-105077042-G-A. GRCh37 (hg19) VCF-style: chr7-104717489-G-A.
Other names: c.848G>A, p.Arg283Gln (NM_001410908.1, NM_018682.4); short protein forms R283Q.
Identifiers: ClinVar variation 1975269 (VCV001975269.5), dbSNP rs775980757, ClinGen allele CA4423864.